The following is an entry in ClinVar:

ClinVar aggregate classification (germline): Uncertain significance. Review status: criteria provided, multiple submitters, no conflicts (2 of 4 stars). 2 submissions from 2 submitters: Uncertain significance (2). Last evaluated 2026-07-02.

Conditions:
Hereditary cancer-predisposing syndrome. Also called: Hereditary Cancer Syndrome; Hereditary neoplastic syndrome; Neoplastic Syndromes, Hereditary; Tumor predisposition. Identifiers: Orphanet 140162, MedGen C0027672, MeSH D009386, MONDO:0015356.
Hereditary nonpolyposis colorectal neoplasms. Identifiers: MedGen C0009405, MeSH D003123.

gnomAD v4.1: 1 of 1,606,236 alleles (0.000062%); highest among the groups gnomAD compares: Non-Finnish European, 0.000085%; no homozygotes.

Submissions (2):

Ambry Genetics
Classification: Uncertain significance for Hereditary cancer-predisposing syndrome. Last evaluated: 2026-07-02. Review status: criteria provided, single submitter. Criteria: Ambry Variant Classification Scheme 2023. Collection method: clinical testing. Allele origin: germline.
Comment: The p.A765T variant (also known as c.2293G>A), located in coding exon 14 of the PMS2 gene, results from a G to A substitution at nucleotide position 2293. The alanine at codon 765 is replaced by threonine, an amino acid with similar properties. This amino acid position is conserved. In addition, this alteration is predicted to be tolerated by in silico analysis. Based on the available evidence, the clinical significance of this variant remains unclear.

Labcorp Genetics (formerly Invitae), Labcorp
Classification: Uncertain significance for Hereditary nonpolyposis colorectal neoplasms. Last evaluated: 2025-09-20. Review status: criteria provided, single submitter. Criteria: Invitae Variant Classification Sherloc (09022015). Collection method: clinical testing. Allele origin: germline.
Comment: This sequence change replaces alanine, which is neutral and non-polar, with threonine, which is neutral and polar, at codon 765 of the PMS2 protein (p.Ala765Thr). The frequency data for this variant in the population databases (gnomAD) is considered unreliable due to the presence of homologous sequence, such as pseudogenes or paralogs, in the genome. This variant has not been reported in the literature in individuals affected with PMS2-related conditions. Invitae Evidence Modeling incorporating data from in vitro experimental studies (internal data) indicates that this missense variant is not expected to disrupt PMS2 function with a negative predictive value of 95%. In summary, the available evidence is currently insufficient to determine the role of this variant in disease. Therefore, it has been classified as a Variant of Uncertain Significance.

NM_000535.7(PMS2):c.2293G>A (p.Ala765Thr)

Gene: PMS2 (PMS1 homolog 2, mismatch repair system component; minus strand). Cytogenetic location: 7p22.1.
Variant type: single nucleotide variant.
Coding change: c.2293G>A on transcript NM_000535.7 (MANE Select); coding-DNA position 2293, G replaced by A.
Protein change: p.Ala765Thr; replaces alanine 765 with threonine.
Molecular consequence: missense variant. On other transcripts: intron variant (2).
Genome position (GRCh38, 1-based): chr7:5,977,740, C>T on the plus strand (G>A on the coding strand, the complement: PMS2 is on the minus strand). VCF-style: chr7-5977740-C-T. GRCh37 (hg19) VCF-style: chr7-6017371-C-T.
Other names: c.1984G>A, p.Ala662Thr (NM_001322015.2, NM_001406877.1, NM_001406878.1 and 4 more transcripts); c.2479G>A, p.Ala827Thr (NM_001406866.1); c.2317G>A, p.Ala773Thr (NM_001406868.1); c.2185G>A, p.Ala729Thr (NM_001406869.1); c.2170G>A, p.Ala724Thr (NM_001406870.1); c.2125G>A, p.Ala709Thr (NM_001406872.1, NM_001406874.1); c.2095G>A, p.Ala699Thr (NM_001406873.1); c.2017G>A, p.Ala673Thr (NM_001406875.1); and 20 more; short protein forms A508T, A578T, A610T, A630T, A643T, A657T, A709T, A729T.
Identifiers: ClinVar variation 4764600 (VCV004764600.2).